The following is an entry in ClinVar:

ClinVar aggregate classification (germline): Benign (1 of 4 stars; one submission).

Conditions:
Hirschsprung disease, susceptibility to, 3. Identifiers: Orphanet 388, MedGen C3150974, MONDO:0013383, OMIM 613711.

Allele frequency attached by ClinVar (database versions not stated): gnomAD 0.00006; TOPMed 0.00010; 1000 Genomes Project 0.00200; 1000 Genomes Project 30x 0.00203.

Submission:

Illumina Laboratory Services, Illumina
Classification: Benign for Hirschsprung disease, susceptibility to, 3. Last evaluated: 2018-01-12. Review status: criteria provided, single submitter. Criteria: ICSL Variant Classification Criteria 13 December 2019. Collection method: clinical testing. Allele origin: germline.
Comment: This variant was observed in the ICSL laboratory as part of a predisposition screen in an ostensibly healthy population. It had not been previously curated by ICSL or reported in the Human Gene Mutation Database (HGMD: prior to June 1st, 2018), and was therefore a candidate for classification through an automated scoring system. Utilizing variant allele frequency, disease prevalence and penetrance estimates, and inheritance mode, an automated score was calculated to assess if this variant is too frequent to cause the disease. Based on the score and internal cut-off values, a variant classified as benign is not then subjected to further curation. The score for this variant resulted in a classification of benign for this disease.

NM_000514.4(GDNF):c.*1898C>A

Gene: GDNF (glial cell derived neurotrophic factor; minus strand). Cytogenetic location: 5p13.2.
Variant type: single nucleotide variant.
Coding change: c.*1898C>A on transcript NM_000514.4 (MANE Select); 1898 bases downstream of the stop codon, C replaced by A.
Molecular consequence: 3 prime UTR variant.
Genome position (GRCh38, 1-based): chr5:37,813,753, G>T on the plus strand (C>A on the coding strand, the complement: GDNF is on the minus strand). VCF-style: chr5-37813753-G-T. GRCh37 (hg19) VCF-style: chr5-37813855-G-T.
Other names: c.*1898C>A (NM_001190468.1, NM_001190469.1, NM_001278098.1 and 1 more transcripts).
Identifiers: ClinVar variation 353485 (VCV000353485.5), dbSNP rs547628776, ClinGen allele CA10620371.